The following is an entry in ClinVar:

ClinVar aggregate classification (germline): Uncertain significance (0 of 4 stars; one submission).

Conditions:
SLC40A1-related disorder. Also called: SLC40A1-related condition.

Submission:

PreventionGenetics, part of Exact Sciences
Classification: Uncertain significance for SLC40A1-related condition. Last evaluated: 2024-07-24. Review status: no assertion criteria provided. Collection method: clinical testing. Allele origin: germline.
Comment: The SLC40A1 c.976T>G variant is predicted to result in the amino acid substitution p.Cys326Gly. To our knowledge, this variant has not been reported in the literature or in gnomAD, indicating this variant is rare. At this time, the clinical significance of this variant is uncertain due to the absence of conclusive functional and genetic evidence.

NM_014585.6(SLC40A1):c.976T>G (p.Cys326Gly)

Gene: SLC40A1 (solute carrier family 40 member 1; minus strand). Cytogenetic location: 2q32.2.
Variant type: single nucleotide variant.
Coding change: c.976T>G on transcript NM_014585.6 (MANE Select); coding-DNA position 976, T replaced by G.
Protein change: p.Cys326Gly; replaces cysteine 326 with glycine.
Molecular consequence: missense variant.
Genome position (GRCh38, 1-based): chr2:189,564,010, A>C on the plus strand (T>G on the coding strand, the complement: SLC40A1 is on the minus strand). VCF-style: chr2-189564010-A-C. GRCh37 (hg19) VCF-style: chr2-190428736-A-C.
Other names: short protein forms C326G.
Identifiers: ClinVar variation 3346511 (VCV003346511.1).